The following is an entry in ClinVar:

NM_000264.5(PTCH1):c.3605_3606insG (p.Ser1203fs)

Gene: PTCH1 (patched 1; minus strand). Cytogenetic location: 9q22.32.
Variant type: Insertion.
Coding change: c.3605_3606insG on transcript NM_000264.5 (MANE Select); coding-DNA positions 3605 to 3606, G inserted.
Protein change: p.Ser1203fs; shifts the reading frame from serine 1203.
Molecular consequence: frameshift variant. On other transcripts: non-coding transcript variant (1).
Genome position: GRCh38 VCF-style: chr9-95449267-G-GC. GRCh37 (hg19) VCF-style: chr9-98211549-G-GC.
Other names: c.3407_3408insG, p.Ser1137fs (NM_001083602.3); c.3602_3603insG, p.Ser1202fs (NM_001083603.3); c.3152_3153insG, p.Ser1052fs (NM_001083604.3, NM_001083605.3, NM_001083606.3 and 1 more transcripts); c.3449_3450insG, p.Ser1151fs (NM_001354918.2); short protein forms S1052fs, S1203fs, S1202fs, S1137fs, S1151fs.
Identifiers: ClinVar variation 1370852 (VCV001370852.6), dbSNP rs2136601667, ClinGen allele CA2573144848.
Genomic context (GRCh38, chr9:95,449,267, plus strand): 5'-GTCGGAGGAATCAGACCCGCTGTGCGTGTGGCCGGGCGGCATGGCGAAGCGGACCACGCT[G>GC]GGGGGTGGCTCAGGGGAGGGTGTGGGCAGGCGGTTCAAGCCGTTGGCTGGAGACACCTAT-3'

ClinVar aggregate classification (germline): Uncertain significance (1 of 4 stars; one submission).

Conditions:
Gorlin syndrome. Also called: Basal cell nevus syndrome; Nevoid Basal Cell Carcinoma Syndrome. Identifiers: Orphanet 377, MedGen C0004779, MONDO:0007187.

Submission:

Labcorp Genetics (formerly Invitae), Labcorp
Classification: Uncertain significance for Gorlin syndrome. Last evaluated: 2024-04-15. Review status: criteria provided, single submitter. Criteria: Invitae Variant Classification Sherloc (09022015). Collection method: clinical testing. Allele origin: germline.
Comment: This sequence change creates a premature translational stop signal (p.Ser1203Glnfs*17) in the PTCH1 gene. While this is not anticipated to result in nonsense mediated decay, it is expected to disrupt the last 245 amino acid(s) of the PTCH1 protein. This variant is not present in population databases (gnomAD no frequency). This variant has not been reported in the literature in individuals affected with PTCH1-related conditions. ClinVar contains an entry for this variant (Variation ID: 1370852). In summary, the available evidence is currently insufficient to determine the role of this variant in disease. Therefore, it has been classified as a Variant of Uncertain Significance.